The following is an entry in ClinVar:

ClinVar aggregate classification (germline): Pathogenic (1 of 4 stars; one submission).

Conditions:
Duchenne muscular dystrophy (DMD). Also called: MUSCULAR DYSTROPHY, PSEUDOHYPERTROPHIC PROGRESSIVE, DUCHENNE TYPE; Duchenne Muscular Dystrophy (DMD). Identifiers: Orphanet 98896, MedGen C0013264, MONDO:0010679, OMIM 310200.

Submission:

Athena Diagnostics
Classification: Pathogenic for Duchenne muscular dystrophy. Last evaluated: 2014-12-27. Review status: criteria provided, single submitter. Criteria: Athena Diagnostics Criteria. Collection method: clinical testing. Allele origin: germline. Inheritance: X-linked recessive inheritance.
Comment: X-linked recessive inheritance

Literature cited by the submitters: PubMed 17259292.

NM_004006.3(DMD):c.2991C>G (p.Tyr997Ter)

Gene: DMD (dystrophin; minus strand). Cytogenetic location: Xp21.1.
Variant type: single nucleotide variant.
Coding change: c.2991C>G on transcript NM_004006.3 (MANE Select); coding-DNA position 2991, C replaced by G.
Protein change: p.Tyr997Ter; replaces tyrosine 997 with a stop codon.
Molecular consequence: nonsense.
Genome position (GRCh38, 1-based): chrX:32,468,669, G>C on the plus strand (C>G on the coding strand, the complement: DMD is on the minus strand). VCF-style: chrX-32468669-G-C. GRCh37 (hg19) VCF-style: chrX-32486786-G-C.
Other names: c.2967C>G, p.Tyr989Ter (NM_000109.4); c.2979C>G, p.Tyr993Ter (NM_004009.3); c.2622C>G, p.Tyr874Ter (NM_004010.3); short protein forms Y997*, Y989*, Y874*, Y993*.
Identifiers: ClinVar variation 217192 (VCV000217192.2), dbSNP rs863224992, ClinGen allele CA347538.